The following is an entry in ClinVar:

ClinVar aggregate classification (germline): Uncertain significance. Review status: criteria provided, multiple submitters, no conflicts (2 of 4 stars). 3 submissions from 3 submitters: Uncertain significance (3). Last evaluated 2022-03-02.

Allele frequency attached by ClinVar (database versions not stated): ESP Exome Variant Server 0.00008.
gnomAD v4.1: 55 of 1,614,006 alleles (0.0034%); highest among the groups gnomAD compares: Non-Finnish European, 0.0042%; no homozygotes.

Submissions (3):

Labcorp Genetics (formerly Invitae), Labcorp
Classification: Uncertain significance. Last evaluated: 2022-03-02. Review status: criteria provided, single submitter. Criteria: Invitae Variant Classification Sherloc (09022015). Collection method: clinical testing. Allele origin: germline.
Comment: This sequence change replaces proline, which is neutral and non-polar, with histidine, which is basic and polar, at codon 613 of the BMP1 protein (p.Pro613His). This variant is present in population databases (rs374904129, gnomAD 0.003%). This variant has not been reported in the literature in individuals affected with BMP1-related conditions. ClinVar contains an entry for this variant (Variation ID: 1331206). Algorithms developed to predict the effect of missense changes on protein structure and function are either unavailable or do not agree on the potential impact of this missense change (SIFT: "Deleterious"; PolyPhen-2: "Benign"; Align-GVGD: "Class C65"). In summary, the available evidence is currently insufficient to determine the role of this variant in disease. Therefore, it has been classified as a Variant of Uncertain Significance.

GeneDx
Classification: Uncertain significance. Last evaluated: 2021-06-30. Review status: criteria provided, single submitter. Criteria: GeneDx Variant Classification Process June 2021. Collection method: clinical testing. Allele origin: germline. Affected: yes.
Comment: In silico analysis supports that this missense variant has a deleterious effect on protein structure/function; Has not been previously published as pathogenic or benign to our knowledge; This variant is associated with the following publications: (PMID: 27535533)

Breakthrough Genomics
Classification: Uncertain significance. Review status: criteria provided, single submitter. Criteria: ACMG Guidelines, 2015. Collection method: not provided. Allele origin: germline. Inheritance: Autosomal recessive inheritance. Affected: yes.

NM_006129.5(BMP1):c.1838C>A (p.Pro613His)

Gene: BMP1 (bone morphogenetic protein 1; plus strand). Cytogenetic location: 8p21.3.
Variant type: single nucleotide variant.
Coding change: c.1838C>A on transcript NM_006129.5 (MANE Select); coding-DNA position 1838, C replaced by A.
Protein change: p.Pro613His; replaces proline 613 with histidine.
Molecular consequence: missense variant. On other transcripts: non-coding transcript variant (2).
Genome position (GRCh38, 1-based): chr8:22,196,752, C>A. VCF-style: chr8-22196752-C-A. GRCh37 (hg19) VCF-style: chr8-22054265-C-A.
Other names: c.1838C>A, p.Pro613His (NM_001199.4); short protein forms P613H.
Identifiers: ClinVar variation 1331206 (VCV001331206.7), dbSNP rs374904129, ClinGen allele CA173466513.